The following is an entry in ClinVar:

ClinVar aggregate classification (germline): Uncertain significance (1 of 4 stars; one submission).

Allele frequency attached by ClinVar (database versions not stated): gnomAD exomes below 0.00001; ExAC 0.00001.
gnomAD v4.1: 4 of 1,613,590 alleles (0.00025%); highest among the groups gnomAD compares: South Asian, 0.0011%; no homozygotes.

Submission:

Labcorp Genetics (formerly Invitae), Labcorp
Classification: Uncertain significance. Last evaluated: 2021-10-17. Review status: criteria provided, single submitter. Criteria: Invitae Variant Classification Sherloc (09022015). Collection method: clinical testing. Allele origin: germline.
Comment: In summary, the available evidence is currently insufficient to determine the role of this variant in disease. Therefore, it has been classified as a Variant of Uncertain Significance. Algorithms developed to predict the effect of missense changes on protein structure and function are either unavailable or do not agree on the potential impact of this missense change (SIFT: "Deleterious"; PolyPhen-2: "Probably Damaging"; Align-GVGD: "Class C0"). This variant has not been reported in the literature in individuals affected with GTPBP3-related conditions. This variant is present in population databases (rs745444707, ExAC 0.006%). This sequence change replaces threonine with alanine at codon 336 of the GTPBP3 protein (p.Thr336Ala). The threonine residue is highly conserved and there is a small physicochemical difference between threonine and alanine.

NM_032620.4(GTPBP3):c.910A>G (p.Thr304Ala)

Gene: GTPBP3 (GTP binding protein 3, mitochondrial; plus strand). Cytogenetic location: 19p13.11.
Variant type: single nucleotide variant.
Coding change: c.910A>G on transcript NM_032620.4 (MANE Select); coding-DNA position 910, A replaced by G.
Protein change: p.Thr304Ala; replaces threonine 304 with alanine.
Molecular consequence: missense variant.
Genome position (GRCh38, 1-based): chr19:17,339,535, A>G. VCF-style: chr19-17339535-A-G. GRCh37 (hg19) VCF-style: chr19-17450344-A-G.
Other names: c.910A>G, p.Thr304Ala (NM_001128855.3); c.976A>G, p.Thr326Ala (NM_001195422.1); c.1006A>G, p.Thr336Ala (NM_133644.4); short protein forms T304A, T336A, T326A.
Identifiers: ClinVar variation 1384542 (VCV001384542.6), dbSNP rs745444707, ClinGen allele CA9293568.